The following is an entry in ClinVar:

ClinVar aggregate classification (germline): Uncertain significance (1 of 4 stars; one submission).

Conditions:
Dyskeratosis congenita, autosomal dominant 6 (DKCA6). Identifiers: Orphanet 3322, MedGen C4225284, MONDO:0014690, OMIM 616553.

Submission:

Labcorp Genetics (formerly Invitae), Labcorp
Classification: Uncertain significance for Dyskeratosis congenita, autosomal dominant 6. Last evaluated: 2022-07-05. Review status: criteria provided, single submitter. Criteria: Invitae Variant Classification Sherloc (09022015). Collection method: clinical testing. Allele origin: germline.
Comment: This sequence change affects an acceptor splice site in intron 9 of the ACD gene. It is expected to disrupt RNA splicing. Variants that disrupt the donor or acceptor splice site typically lead to a loss of protein function (PMID: 16199547), however the current clinical and genetic evidence is not sufficient to establish whether loss-of-function variants in ACD cause disease. This variant is not present in population databases (gnomAD no frequency). In summary, the available evidence is currently insufficient to determine the role of this variant in disease. Therefore, it has been classified as a Variant of Uncertain Significance. Algorithms developed to predict the effect of sequence changes on RNA splicing suggest that this variant may disrupt the consensus splice site. ClinVar contains an entry for this variant (Variation ID: 1490358). This variant has not been reported in the literature in individuals affected with ACD-related conditions.

Literature cited by the submitters: PubMed 16199547.

NM_001082486.2(ACD):c.830-2A>T

Gene: ACD (ACD shelterin complex subunit and telomerase recruitment factor; minus strand). Cytogenetic location: 16q22.1.
Variant type: single nucleotide variant.
Coding change: c.830-2A>T on transcript NM_001082486.2 (MANE Select); the canonical splice acceptor site of the intron before coding-DNA position 830, A replaced by T.
Molecular consequence: splice acceptor variant.
Genome position (GRCh38, 1-based): chr16:67,658,364, T>A on the plus strand (A>T on the coding strand, the complement: ACD is on the minus strand). VCF-style: chr16-67658364-T-A. GRCh37 (hg19) VCF-style: chr16-67692267-T-A.
Other names: c.821-2A>T (NM_022914.3); c.743-2A>T (NM_001410884.1).
Identifiers: ClinVar variation 1490358 (VCV001490358.6), dbSNP rs2142968890, ClinGen allele CA396353070.
Genomic context (GRCh38, chr16:67,658,364, plus strand): 5'-AAGGCTGATGCTGGTACCACTTTCCTCGGATGACATGTGGCCGGGTAAGGCCGGGGTTCC[T>A]GAGGAGGAGGGGACTTATTGTAGGCACAGCCCTCTCCGCTCAGGGCAGCTGAGTGGCCTG-3'